The following is an entry in ClinVar:

ClinVar aggregate classification (germline): Uncertain significance. Review status: criteria provided, multiple submitters, no conflicts (2 of 4 stars). 8 submissions from 8 submitters: Uncertain significance (8). Last evaluated 2026-08-10.

Conditions:
MYBPC3-related disorder. Also called: MYBPC3-related disorders; MYBPC3-related condition; MYBPC3-related disease.
Cardiovascular phenotype. Identifiers: MedGen CN230736.
Cardiomyopathy (CMYO). Also called: Cardiomyopathies. Identifiers: Orphanet 167848, MedGen C0878544, MONDO:0004994, HP:0001638. Inheritance: Various modes of inheritance.
Hypertrophic cardiomyopathy. Also called: HYPERTROPHIC MYOCARDIOPATHY. Identifiers: Orphanet 217569, MedGen C0007194, MeSH D002312, MONDO:0005045, HP:0001639.

Allele frequency attached by ClinVar (database versions not stated): gnomAD 0.00001 and 0.00002; gnomAD exomes 0.00002; TOPMed 0.00002; ExAC 0.00003; 1000 Genomes Project 30x 0.00016; 1000 Genomes Project 0.00020.
gnomAD v4.1: 18 of 1,612,338 alleles (0.0011%); highest among the groups gnomAD compares: South Asian, 0.0055%; no homozygotes.

Submissions (8):

PreventionGenetics, part of Exact Sciences
Classification: Uncertain significance for MYBPC3-related condition. Last evaluated: 2026-08-10. Review status: criteria provided, single submitter. Criteria: ACMG Guidelines, 2015. Collection method: clinical testing. Allele origin: germline.
Comment: The MYBPC3 c.1112C>T variant is predicted to result in the amino acid substitution p.Pro371Leu. This variant has been reported in individuals with hypertrophic cardiomyopathy (Table S1A, Walsh et al. 2017. PubMed ID: 27532257; Nakashima et al. 2020. PubMed ID: 32830170; Table S8, McGurk et al. 2023. PubMed ID: 37652022). This variant has also been reported in an individual with left ventricular noncompaction cardiomyopathy; however, this individual also carried a DMD nonsense variant (Table 1 and Table S1, Li et al. 2019. PubMed ID: 31397097). This variant is reported in 0.0099% of alleles in individuals of South Asian descent in gnomAD. At this time, the clinical significance of this variant is uncertain due to the absence of conclusive functional and genetic evidence.

Labcorp Genetics (formerly Invitae), Labcorp
Classification: Uncertain significance for Hypertrophic cardiomyopathy. Last evaluated: 2025-12-29. Review status: criteria provided, single submitter. Criteria: Invitae Variant Classification Sherloc (09022015). Collection method: clinical testing. Allele origin: germline.
Comment: This sequence change replaces proline, which is neutral and non-polar, with leucine, which is neutral and non-polar, at codon 371 of the MYBPC3 protein (p.Pro371Leu). This variant is present in population databases (rs397515887, gnomAD 0.01%). This missense change has been observed in individuals with hypertrophic cardiomyopathy and/or left ventricular noncompaction (PMID: 27532257, 31397097, 32830170, 33487615). ClinVar contains an entry for this variant (Variation ID: 181060). An algorithm developed to predict the effect of missense changes on protein structure and function (PolyPhen-2) suggests that this variant is likely to be disruptive. This variant disrupts the p.Pro371 amino acid residue in MYBPC3. Other variant(s) that disrupt this residue have been observed in individuals with MYBPC3-related conditions (PMID: 35208637), which suggests that this may be a clinically significant amino acid residue. In summary, the available evidence is currently insufficient to determine the role of this variant in disease. Therefore, it has been classified as a Variant of Uncertain Significance.

Molecular Diagnostic Laboratory for Inherited Cardiovascular Disease, Montreal Heart Institute
Classification: Uncertain significance for Cardiovascular phenotype. Last evaluated: 2025-04-09. Review status: criteria provided, single submitter. Criteria: ACMG Guidelines, 2015. Collection method: clinical testing. Allele origin: germline. Affected: yes.

All of Us Research Program, National Institutes of Health
Classification: Uncertain significance for Hypertrophic cardiomyopathy. Last evaluated: 2024-07-20. Review status: criteria provided, single submitter. Criteria: ACMG Guidelines, 2015. Collection method: clinical testing. Allele origin: germline. Inheritance: Autosomal dominant inheritance. Observed: 7 variant alleles, 7 heterozygotes.
Comment: This missense variant replaces proline with leucine at codon 371 of the MYBPC3 protein. Computational prediction tools indicate that this variant has a deleterious impact on protein structure and function. To our knowledge, functional studies have not been reported for this variant. This variant has been reported in three individuals affected with hypertrophic cardiomyopathy (PMID: 27532257, 32830170, 33487615). It has also been reported in an individual affected with left ventricular noncompaction who also carried a pathogenic truncation variant in the DMD gene (PMID: 31397097). This variant has been identified in 6/245804 chromosomes in the general population by the Genome Aggregation Database (gnomAD). The available evidence is insufficient to determine the role of this variant in disease conclusively. Therefore, this variant is classified as a Variant of Uncertain Significance.

This study involves interpretation of variants in research participants for the purpose of population health screening. Participant phenotype was not available at the time of variant classification. Additional details can be found in publication PMID: 35346344, PMCID: PMC8962531

Color Diagnostics, LLC DBA Color Health
Classification: Uncertain significance for Cardiomyopathy. Last evaluated: 2024-07-10. Review status: criteria provided, single submitter. Criteria: ACMG Guidelines, 2015. Collection method: clinical testing. Allele origin: germline.
Comment: This missense variant replaces proline with leucine at codon 371 of the MYBPC3 protein. Computational prediction tools indicate that this variant has a deleterious impact on protein structure and function. To our knowledge, functional studies have not been reported for this variant. This variant has been reported in three individuals affected with hypertrophic cardiomyopathy (PMID: 27532257, 32830170, 33487615). It has also been reported in an individual affected with left ventricular noncompaction who also carried a pathogenic truncation variant in the DMD gene (PMID: 31397097). This variant has been identified in 6/245804 chromosomes in the general population by the Genome Aggregation Database (gnomAD). The available evidence is insufficient to determine the role of this variant in disease conclusively. Therefore, this variant is classified as a Variant of Uncertain Significance.

Ambry Genetics
Classification: Uncertain significance for Cardiovascular phenotype. Last evaluated: 2024-04-15. Review status: criteria provided, single submitter. Criteria: Ambry Variant Classification Scheme 2023. Collection method: clinical testing. Allele origin: germline.
Comment: The p.P371L variant (also known as c.1112C>T), located in coding exon 13 of the MYBPC3 gene, results from a C to T substitution at nucleotide position 1112. The proline at codon 371 is replaced by leucine, an amino acid with similar properties. This alteration has been reported in hypertrophic cardiomyopathy (HCM) cohorts (Walsh R et al. Genet Med, 2017 Feb;19:192-203; Nakashima Y et al. Circ J, 2020 Sep;84:1846-1853). This amino acid position is highly conserved in available vertebrate species. In addition, the in silico prediction for this alteration is inconclusive. Based on the available evidence, the clinical significance of this variant remains unclear.

CHEO Genetics Diagnostic Laboratory, Children's Hospital of Eastern Ontario
Classification: Uncertain significance for Cardiomyopathy. Last evaluated: 2023-02-22. Review status: criteria provided, single submitter. Criteria: ACMG Guidelines, 2015. Collection method: clinical testing. Allele origin: germline.

GeneDx
Classification: Uncertain significance. Last evaluated: 2020-02-27. Review status: criteria provided, single submitter. Criteria: GeneDx Variant Classification Process June 2021. Collection method: clinical testing. Allele origin: germline. Affected: yes.
Comment: Identified in patients with cardiomyopathy in the published literature (Walsh et al., 2017; Ito et al., 2017; Li et al., 2018); At the protein level, in silico analysis supports that this missense variant has a deleterious effect on protein structure/function; At the mRNA level, in-silico analysis, which includes splice predictors and evolutionary conservation, is inconclusive as to whether the variant alters gene splicing. In the absence of RNA/functional studies, the actual effect of this sequence change is unknown.; This variant is associated with the following publications: (PMID: 27532257, 28679633, 30371277, 31397097)

Literature cited by the submitters: PubMed 27532257 (cited by 4 submitters); PubMed 31397097 (cited by 3 submitters); PubMed 32830170 (cited by 4 submitters); PubMed 33487615 (cited by 3 submitters); PubMed 35208637 (cited by Labcorp Genetics (formerly Invitae), Labcorp).

NM_000256.3(MYBPC3):c.1112C>T (p.Pro371Leu)

Gene: MYBPC3 (myosin binding protein C3; minus strand). Cytogenetic location: 11p11.2.
Variant type: single nucleotide variant.
Coding change: c.1112C>T on transcript NM_000256.3 (MANE Select); coding-DNA position 1112, C replaced by T.
Protein change: p.Pro371Leu; replaces proline 371 with leucine.
Molecular consequence: missense variant.
Genome position (GRCh38, 1-based): chr11:47,343,603, G>A on the plus strand (C>T on the coding strand, the complement: MYBPC3 is on the minus strand). VCF-style: chr11-47343603-G-A. GRCh37 (hg19) VCF-style: chr11-47365154-G-A.
Other names: p.P371L:CCG>CTG; c.1112C>T, p.Pro371Leu (LRG_386t1); short protein forms P371L.
Identifiers: ClinVar variation 181060 (VCV000181060.24), dbSNP rs397515887, ClinGen allele CA009790.